The following is an entry in ClinVar:

NM_138694.4(PKHD1):c.4887del (p.Asn1631fs)

Genes: PKHD1 (PKHD1 ciliary IPT domain containing fibrocystin/polyductin; minus strand), LOC126859690 (MED14-independent group 3 enhancer GRCh37_chr6:51888848-51890047; plus strand). Cytogenetic location: 6p12.2.
Variant type: Deletion.
Coding change: c.4887del on transcript NM_138694.4 (MANE Select); coding-DNA position 4887, one base deleted (A; older notation c.4887delA).
Protein change: p.Asn1631fs; shifts the reading frame from asparagine 1631.
Molecular consequence: frameshift variant.
Genome position (GRCh38, 1-based): chr6:52,024,923, T deleted on the plus strand (A on the coding strand, the reverse complement: PKHD1 is on the minus strand). VCF-style (leftmost placement, unchanged base first): chr6-52024922-CT-C. GRCh37 (hg19) VCF-style: chr6-51889720-CT-C.
Other names: c.4887del, p.Asn1631fs (NM_170724.3); short protein forms N1631fs.
Identifiers: ClinVar variation 4293708 (VCV004293708.1).

ClinVar aggregate classification (germline): Likely pathogenic (1 of 4 stars; one submission).

Conditions:
Polycystic kidney disease 4 (PKD4). Also called: POLYCYSTIC KIDNEY AND HEPATIC DISEASE 1; POLYCYSTIC KIDNEY DISEASE, INFANTILE, TYPE I; POLYCYSTIC KIDNEY DISEASE 4 WITH OR WITHOUT POLYCYSTIC LIVER DISEASE; PKD3; Autosomal Recessive Polycystic Kidney Disease – PKHD1. Identifiers: MedGen C4540575, MONDO:0033004, OMIM 263200.

Submission:

3billion
Classification: Likely pathogenic for Polycystic kidney disease 4. Last evaluated: 2024-06-12. Review status: criteria provided, single submitter. Criteria: ACMG Guidelines, 2015. Collection method: clinical testing. Allele origin: germline. Affected: yes.
Comment: The variant is not observed in the gnomAD v4.0.0 dataset. Predicted Consequence/Location: Frameshift: predicted to result in a loss or disruption of normal protein function through nonsense-mediated decay (NMD) or protein truncation. Multiple pathogenic variants are reported downstream of the variant. Therefore, this variant is classified as Likely pathogenic according to the recommendation of ACMG/AMP guideline.